The following is an entry in ClinVar:

ClinVar aggregate classification (germline): Uncertain significance. Review status: criteria provided, multiple submitters, no conflicts (2 of 4 stars). 2 submissions from 2 submitters: Uncertain significance (2). Last evaluated 2025-10-21.

Conditions:
Tuberous sclerosis 1 (TSC1). Identifiers: Orphanet 805, MedGen C1854465, MONDO:0008612, OMIM 191100.
Hereditary cancer-predisposing syndrome. Also called: Tumor predisposition; Neoplastic Syndromes, Hereditary; Hereditary Cancer Syndrome; Hereditary neoplastic syndrome. Identifiers: Orphanet 140162, MedGen C0027672, MeSH D009386, MONDO:0015356.

Allele frequency attached by ClinVar (database versions not stated): gnomAD exomes below 0.00001.
gnomAD v4.1: 3 of 1,614,208 alleles (0.00019%); highest among the groups gnomAD compares: Non-Finnish European, 0.00025%; no homozygotes.

Submissions (2):

Ambry Genetics
Classification: Uncertain significance for Hereditary cancer-predisposing syndrome. Last evaluated: 2025-10-21. Review status: criteria provided, single submitter. Criteria: Ambry Variant Classification Scheme 2023. Collection method: clinical testing. Allele origin: germline.
Comment: The p.S1141C variant (also known as c.3422C>G), located in coding exon 21 of the TSC1 gene, results from a C to G substitution at nucleotide position 3422. The serine at codon 1141 is replaced by cysteine, an amino acid with dissimilar properties. This amino acid position is conserved. In addition, this alteration is predicted to be tolerated by in silico analysis. Since supporting evidence is limited at this time, the clinical significance of this alteration remains unclear.

Labcorp Genetics (formerly Invitae), Labcorp
Classification: Uncertain significance for Tuberous sclerosis 1. Last evaluated: 2021-01-10. Review status: criteria provided, single submitter. Criteria: Invitae Variant Classification Sherloc (09022015). Collection method: clinical testing. Allele origin: germline.
Comment: This sequence change replaces serine with cysteine at codon 1141 of the TSC1 protein (p.Ser1141Cys). The serine residue is moderately conserved and there is a moderate physicochemical difference between serine and cysteine. This variant is not present in population databases (ExAC no frequency). In summary, the available evidence is currently insufficient to determine the role of this variant in disease. Therefore, it has been classified as a Variant of Uncertain Significance. Algorithms developed to predict the effect of missense changes on protein structure and function are either unavailable or do not agree on the potential impact of this missense change (SIFT: "Tolerated"; PolyPhen-2: "Possibly Damaging"; Align-GVGD: "Class C0"). This variant has not been reported in the literature in individuals with TSC1-related conditions.

NM_000368.5(TSC1):c.3422C>G (p.Ser1141Cys)

Gene: TSC1 (TSC complex subunit 1; minus strand). Cytogenetic location: 9q34.13.
Variant type: single nucleotide variant.
Coding change: c.3422C>G on transcript NM_000368.5 (MANE Select); coding-DNA position 3422, C replaced by G.
Protein change: p.Ser1141Cys; replaces serine 1141 with cysteine.
Molecular consequence: missense variant.
Genome position (GRCh38, 1-based): chr9:132,896,308, G>C on the plus strand (C>G on the coding strand, the complement: TSC1 is on the minus strand). VCF-style: chr9-132896308-G-C. GRCh37 (hg19) VCF-style: chr9-135771695-G-C.
Other names: c.3419C>G, p.Ser1140Cys (NM_001162426.2); c.3269C>G, p.Ser1090Cys (NM_001162427.2); c.3059C>G, p.Ser1020Cys (NM_001362177.2); c.3422C>G (NM_000368.4); short protein forms S1020C, S1090C, S1140C, S1141C.
Identifiers: ClinVar variation 1063335 (VCV001063335.11), dbSNP rs1344689860, ClinGen allele CA375366405.